The following is an entry in ClinVar:

ClinVar aggregate classification (germline): Likely pathogenic (1 of 4 stars; one submission).

Conditions:
Short-rib thoracic dysplasia 21 without polydactyly. Identifiers: MedGen C5561961, MONDO:0030356, OMIM 619479.

Submission:

Victorian Clinical Genetics Services, Murdoch Childrens Research Institute
Classification: Likely pathogenic for Short-rib thoracic dysplasia 21 without polydactyly. Last evaluated: 2024-10-09. Review status: criteria provided, single submitter. Criteria: ACMG Guidelines, 2015. Collection method: clinical testing. Allele origin: germline. Inheritance: Autosomal recessive inheritance. Affected: yes.
Comment: Based on the classification scheme VCGS_Germline_v1.3.4, this variant is classified as Likely Pathogenic. Following criteria are met: 0102 - Loss of function is a known mechanism of disease in this gene and is associated with orofaciodigital syndrome XV (MIM#617127), Joubert syndrome 38 (MIM#619476) and short-rib thoracic dysplasia 21 without polydactyly (MIM#619479). (I) 0106 - This gene is associated with autosomal recessive disease. (I) 0205 - Variant is predicted to result in a truncated protein (premature termination codon is NOT located at least 54 nucleotides upstream of the final exon-exon junction) with less than 1/3 of the protein sequence affected. (SP) 0251 - This variant is heterozygous. (I) 0301 - Variant is absent from gnomAD (both v2 and v3). (SP) 0600 - Variant truncates the annotated MNR family domain (DECIPHER). (I) 0704 - Another truncating variant comparable to the one identified in this case has limited previous evidence for pathogenicity. p.(Asp936fs*3) has been observed in two compound heterozygous brothers with Joubert syndrome. Patient fibroblasts showed a deficit in primary ciliation and improper Shh and Wnt signaling (PMID: 34523780). (SP) 0807 - This variant has no previous evidence of pathogenicity. (I) 0905 - No published segregation evidence has been identified for this variant. (I) 1007 - No published functional evidence has been identified for this variant. (I) Legend: (SP) - Supporting pathogenic, (I) - Information, (SB) - Supporting benign

Literature cited by the submitters: PubMed 34523780.

NM_014804.3(KIAA0753):c.2675del (p.Pro892fs)

Gene: KIAA0753 (KIAA0753; minus strand). Cytogenetic location: 17p13.1.
Variant type: Deletion.
Coding change: c.2675del on transcript NM_014804.3 (MANE Select); coding-DNA position 2675, one base deleted (C; older notation c.2675delC).
Protein change: p.Pro892fs; shifts the reading frame from proline 892.
Molecular consequence: frameshift variant. On other transcripts: non-coding transcript variant (3).
Genome position (GRCh38, 1-based): chr17:6,589,890, G deleted on the plus strand (C on the coding strand, the reverse complement: KIAA0753 is on the minus strand); the first of 3 consecutive G bases (chr17:6,589,890-6,589,892); deleting any one gives the same sequence. VCF-style (leftmost placement, unchanged base first): chr17-6589889-TG-T. GRCh37 (hg19) VCF-style: chr17-6493209-TG-T.
Other names: c.1778del, p.Pro593fs (NM_001351225.2); short protein forms P593fs, P892fs.
Identifiers: ClinVar variation 3377254 (VCV003377254.1).